The following is an entry in ClinVar:

ClinVar aggregate classification (germline): Conflicting classifications of pathogenicity. Review status: criteria provided, conflicting classifications (1 of 4 stars). 2 submissions from 2 submitters: Uncertain significance (1); Likely benign (1). Last evaluated 2022-08-16.

Conditions:
Cardiovascular phenotype. Identifiers: MedGen CN230736.
Arrhythmogenic right ventricular dysplasia 8 (ARVD8). Also called: Arrhythmogenic Right Ventricular Dysplasia/Cardiomyopathy 8; ARRHYTHMOGENIC RIGHT VENTRICULAR DYSPLASIA, FAMILIAL, 8; ARRHYTHMOGENIC RIGHT VENTRICULAR CARDIOMYOPATHY 8. Identifiers: MedGen C1843896, MONDO:0011831, OMIM 607450.
Arrhythmogenic cardiomyopathy with wooly hair and keratoderma. Also called: Dilated cardiomyopathy with woolly hair and keratoderma; Carvajal syndrome; Arrhythmogenic cardiomyopathy with woolly hair and keratoderma; PALMOPLANTAR KERATODERMA WITH LEFT VENTRICULAR CARDIOMYOPATHY AND WOOLLY HAIR. Identifiers: Orphanet 65282, MedGen C1854063, MONDO:0011581, OMIM 605676.

gnomAD v4.1: 11 of 1,612,390 alleles (0.00068%); highest among the groups gnomAD compares: South Asian, 0.0055%; no homozygotes.

Submissions (2):

Labcorp Genetics (formerly Invitae), Labcorp
Classification: Likely benign for Arrhythmogenic cardiomyopathy with wooly hair and keratoderma; Arrhythmogenic right ventricular dysplasia 8. Last evaluated: 2022-08-16. Review status: criteria provided, single submitter. Criteria: Invitae Variant Classification Sherloc (09022015). Collection method: clinical testing. Allele origin: germline.

Ambry Genetics
Classification: Uncertain significance for Cardiovascular phenotype. Last evaluated: 2022-04-03. Review status: criteria provided, single submitter. Criteria: Ambry Variant Classification Scheme 2023. Collection method: clinical testing. Allele origin: germline.
Comment: The p.R315L variant (also known as c.944G>T), located in coding exon 8 of the DSP gene, results from a G to T substitution at nucleotide position 944. The arginine at codon 315 is replaced by leucine, an amino acid with dissimilar properties. This amino acid position is conserved. In addition, the in silico prediction for this alteration is inconclusive. Since supporting evidence is limited at this time, the clinical significance of this alteration remains unclear.

NM_004415.4(DSP):c.944G>T (p.Arg315Leu)

Gene: DSP (desmoplakin; plus strand). Cytogenetic location: 6p24.3.
Variant type: single nucleotide variant.
Coding change: c.944G>T on transcript NM_004415.4 (MANE Select); coding-DNA position 944, G replaced by T.
Protein change: p.Arg315Leu; replaces arginine 315 with leucine.
Molecular consequence: missense variant.
Genome position (GRCh38, 1-based): chr6:7,566,381, G>T. VCF-style: chr6-7566381-G-T. GRCh37 (hg19) VCF-style: chr6-7566614-G-T.
Other names: c.944G>T, p.Arg315Leu (NM_001008844.3, NM_001319034.2); short protein forms R315L.
Identifiers: ClinVar variation 1436428 (VCV001436428.8), dbSNP rs558825586, ClinGen allele CA053329.